The following is an entry in ClinVar:

NM_032043.3(BRIP1):c.2847T>C (p.Pro949=)

Gene: BRIP1 (BRCA1 interacting DNA helicase 1; minus strand). Cytogenetic location: 17q23.2.
Variant type: single nucleotide variant.
Coding change: c.2847T>C on transcript NM_032043.3 (MANE Select); coding-DNA position 2847, T replaced by C.
Protein change: p.Pro949=; no amino-acid change (proline 949 retained).
Molecular consequence: synonymous variant.
Genome position (GRCh38, 1-based): chr17:61,685,894, A>G on the plus strand (T>C on the coding strand, the complement: BRIP1 is on the minus strand). VCF-style: chr17-61685894-A-G. GRCh37 (hg19) VCF-style: chr17-59763255-A-G.
Identifiers: ClinVar variation 391846 (VCV000391846.18), dbSNP rs45499991, ClinGen allele CA8690448.

ClinVar aggregate classification (germline): Benign/Likely benign. Review status: criteria provided, multiple submitters, no conflicts (2 of 4 stars). 4 submissions from 4 submitters: Benign (1); Likely benign (3). Last evaluated 2025-06-25.

Conditions:
Familial cancer of breast. Also called: BREAST CANCER, FAMILIAL; hereditary breast carcinoma; Hereditary breast cancer. Identifiers: Orphanet 227535, MedGen C0346153, MONDO:0016419, OMIM 114480. Disease mechanism: loss of function.
Fanconi anemia complementation group J. Also called: BRIP1-Related Fanconi Anemia. Identifiers: Orphanet 84, MedGen C1836860, MONDO:0012187, OMIM 609054.
Hereditary cancer-predisposing syndrome. Also called: Neoplastic Syndromes, Hereditary; Hereditary neoplastic syndrome; Tumor predisposition; Hereditary Cancer Syndrome. Identifiers: Orphanet 140162, MedGen C0027672, MeSH D009386, MONDO:0015356.

Allele frequency attached by ClinVar (database versions not stated): gnomAD exomes below 0.00001 and 0.00001; ExAC 0.00001.
gnomAD v4.1: 7 of 1,613,898 alleles (0.00043%); highest among the groups gnomAD compares: Middle Eastern, 0.017%; no homozygotes.

Submissions (4):

Labcorp Genetics (formerly Invitae), Labcorp
Classification: Likely benign for Familial cancer of breast; Fanconi anemia complementation group J. Last evaluated: 2025-06-25. Review status: criteria provided, single submitter. Criteria: Invitae Variant Classification Sherloc (09022015). Collection method: clinical testing. Allele origin: germline.

Myriad Genetics, Inc.
Classification: Benign for Familial cancer of breast. Last evaluated: 2024-09-06. Review status: criteria provided, single submitter. Criteria: Myriad Autosomal Dominant, Autosomal Recessive and X-Linked Classification Criteria (2023). Collection method: clinical testing. Allele origin: unknown.
Comment: This variant is considered benign. This variant is a silent/synonymous amino acid change and it is not expected to impact splicing.

GeneDx
Classification: Likely benign. Last evaluated: 2017-10-05. Review status: criteria provided, single submitter. Criteria: GeneDx Variant Classification (06012015). Collection method: clinical testing. Allele origin: germline. Affected: yes.
Comment: This variant is considered likely benign or benign based on one or more of the following criteria: it is a conservative change, it occurs at a poorly conserved position in the protein, it is predicted to be benign by multiple in silico algorithms, and/or has population frequency not consistent with disease.

Ambry Genetics
Classification: Likely benign for Hereditary cancer-predisposing syndrome. Last evaluated: 2016-01-06. Review status: criteria provided, single submitter. Criteria: Ambry Variant Classification Scheme 2023. Collection method: clinical testing. Allele origin: germline.